The following is an entry in ClinVar:

ClinVar aggregate classification (germline): Pathogenic. Review status: criteria provided, multiple submitters, no conflicts (2 of 4 stars). 14 submissions from 14 submitters: Pathogenic (10). 4 of the submissions do not count toward it. Last evaluated 2024-10-04.

Conditions:
BRAF-related disorder. Also called: BRAF-related condition.
Melanoma. Identifiers: MedGen C0025202, MeSH D008545, MONDO:0005105, HP:0002861.
Cardio-facio-cutaneous syndrome. Also called: Cardiofaciocutaneous syndrome; CFC syndrome. Identifiers: Orphanet 1340, MedGen C1275081, MONDO:0015280. Disease mechanism: gain of function.
Inborn genetic diseases. Identifiers: MedGen C0950123, MeSH D030342.
RASopathy. Also called: rasopathies; Noonan spectrum disorder. Identifiers: Orphanet 536391, MedGen C5555857, MONDO:0021060.
Noonan syndrome 7 (NS7). Also called: BRAF-Related Noonan Syndrome. Identifiers: Orphanet 648, MedGen C3150970, MONDO:0013379, OMIM 613706.
Noonan syndrome 1 (NS1). Also called: TURNER PHENOTYPE WITH NORMAL KARYOTYPE; PTPN11-Related Noonan Syndrome; FEMALE PSEUDO-TURNER SYNDROME. Identifiers: Orphanet 648, MedGen C4551602, MONDO:0008104, OMIM 163950. Disease mechanism: gain of function.
Cardiofaciocutaneous syndrome 1 (CFC1). Also called: BRAF-Related Cardiofaciocutaneous Syndrome. Identifiers: Orphanet 1340, MedGen CN029449, MONDO:0007265, OMIM 115150. Disease mechanism: gain of function.

Submissions (14):

Dubai Health Genomic Medicine Center, Dubai Health
Classification: Pathogenic for Melanoma. Last evaluated: 2024-10-04. Review status: criteria provided, single submitter. Criteria: ACMG Guidelines, 2015. Collection method: research. Allele origin: germline. Affected: yes.
Comment: PM6,PS3,PM5,PM2,PP3

3billion
Classification: Pathogenic for BRAF-related disorder. Last evaluated: 2024-09-12. Review status: criteria provided, single submitter. Criteria: ACMG Guidelines, 2015. Collection method: clinical testing. Allele origin: germline. Affected: yes.
Comment: The variant is not observed in the gnomAD v4.0.0 dataset. Predicted Consequence/Location: Missense variant. Missense changes are a common disease-causing mechanism. In silico tool predictions suggest damaging effect of the variant on gene or gene product [REVEL: 0.95 (>=0.6, sensitivity 0.68 and specificity 0.92); 3Cnet: 0.99 (>=0.6, sensitivity 0.72 and precision 0.9)]. The same nucleotide change resulting in the same amino acid change has been previously reported as pathogenic/likely pathogenic with strong evidence (ClinVar ID: VCV000162797 /PMID: 19206169 /3billion dataset). The variant has been observed in at least two similarly affected unrelated individuals (PMID: 16804887, 18039235, 22495831). Therefore, this variant is classified as Pathogenic according to the recommendation of ACMG/AMP guideline.

Labcorp Genetics (formerly Invitae), Labcorp
Classification: Pathogenic for RASopathy. Last evaluated: 2024-04-15. Review status: criteria provided, single submitter. Criteria: Invitae Variant Classification Sherloc (09022015). Collection method: clinical testing. Allele origin: germline.
Comment: This sequence change replaces aspartic acid, which is acidic and polar, with glutamic acid, which is acidic and polar, at codon 638 of the BRAF protein (p.Asp638Glu). This variant is not present in population databases (gnomAD no frequency). This missense change has been observed in individual(s) with cardio-facio-cutaneous syndrome (CFC) and Costello syndrome (PMID: 16804887, 18039235, 22495831). In at least one individual the variant was observed to be de novo. ClinVar contains an entry for this variant (Variation ID: 162797). Advanced modeling performed at Invitae incorporating data from internal and/or published experimental studies (Invitae) indicates that this missense variant is expected to disrupt BRAF function with a positive predictive value of 95%. Experimental studies have shown that this missense change affects BRAF function (PMID: 18413255). For these reasons, this variant has been classified as Pathogenic.

Genomic Medicine Center of Excellence, King Faisal Specialist Hospital and Research Centre
Classification: Pathogenic for Cardiofaciocutaneous syndrome. Last evaluated: 2024-03-14. Review status: criteria provided, single submitter. Criteria: ACMG Guidelines, 2015. Collection method: clinical testing. Allele origin: germline.

Pittsburgh Clinical Genomics Laboratory, University of Pittsburgh Medical Center
Classification: Pathogenic for Noonan syndrome 7. Last evaluated: 2023-09-07. Review status: criteria provided, single submitter. Criteria: ACMG Guidelines, 2015. Collection method: clinical testing. Allele origin: germline. Inheritance: Autosomal dominant inheritance. Affected: yes.
Comment: This sequence variant is a single nucleotide substitution (T>G) at position 1914 of the coding sequence of the BRAF gene that results in a aspartic acid to glutamic acid amino acid change at residue 638 of the B-Raf proto-oncogene, serine/threonine kise protein. The 638 residue falls in the kise domain (PMID: 18413255) which plays a critical role in BRAF function. This is a previously reported variant (ClinVar 162797) that has been observed in individuals affected by Costello syndrome (PMID: 16804887, 31069529) and cardiofaciocutaneous syndrome (PMID: 19206169, 37138575, 20859831, 21063443, 33040082, 27391121, 29095811, 22495831, 18039235, 37510243, 27940666, 31217210, 35524774, 34573299, 32369273), several of which were confirmed de novo (PMID: 19206169, 37138575, 20859831, 21063443). This variant is absent from the gnomAD population database (0/~250,000 alleles). Multiple bioinformatic tools predict that this Asp to Glu amino acid change would be damaging, and the Asp638 residue at this position is highly conserved across the vertebrate species examined. Studies examining the functiol consequence of this variant demonstrate impaired kise activity (PMID: 18413255). Based upon the evidence, we consider this variant to be pathogenic. ACMG Criteria: PM2, PP2, PP3, PS1, PS3

GeneDx
Classification: Pathogenic. Last evaluated: 2022-12-28. Review status: criteria provided, single submitter. Criteria: GeneDx Variant Classification Process June 2021. Collection method: clinical testing. Allele origin: germline. Affected: yes.
Comment: Not observed in large population cohorts (gnomAD); In silico analysis supports that this missense variant has a deleterious effect on protein structure/function; The majority of missense variants in this gene are considered pathogenic [(HGMD]; This variant is associated with the following publications: (PMID: 27171548, 30141192, 23093928, 25525159, 19206169, 18413255, 21063443, 30556322, 32369273, 33040082, 31069529, 34643321)

CeGaT Center for Human Genetics Tuebingen
Classification: Pathogenic. Last evaluated: 2020-11-01. Review status: criteria provided, single submitter. Criteria: CeGaT Center For Human Genetics Tuebingen Variant Classification Criteria Version 2. Collection method: clinical testing. Allele origin: germline. Affected: yes. Observed: 2 variant alleles.

Genomic Medicine Lab, University of California San Francisco
Classification: Pathogenic for Cardiofaciocutaneous syndrome 1. Last evaluated: 2018-08-16. Review status: criteria provided, single submitter. Criteria: ACMG Guidelines, 2015. Collection method: clinical testing. Allele origin: de novo. Inheritance: Autosomal dominant inheritance. Affected: yes. Study: CSER.

Ambry Genetics
Classification: Pathogenic for Inborn genetic diseases. Last evaluated: 2017-01-05. Review status: criteria provided, single submitter. Criteria: Ambry exome assertion method (8-5-2015). Collection method: clinical testing. Allele origin: germline. Affected: yes. Observed: 1 variant allele.

Laboratory for Molecular Medicine, Mass General Brigham Personalized Medicine
Classification: Pathogenic for Cardio-facio-cutaneous syndrome. Last evaluated: 2013-08-27. Review status: criteria provided, single submitter. Criteria: LMM Criteria. Collection method: clinical testing. Allele origin: germline. Observed: 1 variant allele.
Comment: The Asp638Glu variant in BRAF has been reported to have occurred de novo in two individuals with clinical features of Cardio-facio-cutaneous syndrome (Sarkozy 2 009, Kleefstra 2011). Another variant at this nucleotide position resulting in the same amino acid residue change has also been reported in two individuals wit h clinical features of Cardio-facio-cutaneous syndrome including one de novo occ urrence (Sarkozy 2009, Rauen 2006). This variant was not identified in large po pulation studies. Studies have shown that the Asp638Glu variant impacts protein function (Rodriguez-Viciana 2008). In summary, the Asp638Glu variant meets our c riteria to be classified as pathogenic based upo n its de novo occurrence in affected individuals, low allele frequency in the ge neral population, and supporting functional evidence.

Molecular Genetics Laboratory, BC Children's and BC Women's Hospitals
Classification: Pathogenic for Cardiofaciocutaneous syndrome 1. Last evaluated: 2018-09-21. Review status: no assertion criteria provided. Criteria: ACMG Guidelines, 2015. Collection method: clinical testing. Allele origin: de novo. Affected: yes. Not counted in ClinVar's aggregate classification.

Genome Diagnostics Laboratory, Amsterdam University Medical Center
Classification: Pathogenic. Review status: no assertion criteria provided. Collection method: clinical testing. Allele origin: germline. Affected: yes. Study: VKGL Data-share Consensus. Not counted in ClinVar's aggregate classification.

Genome Diagnostics Laboratory, University Medical Center Utrecht
Classification: Pathogenic. Review status: no assertion criteria provided. Collection method: clinical testing. Allele origin: germline. Affected: yes. Study: VKGL Data-share Consensus. Not counted in ClinVar's aggregate classification.

Joint Genome Diagnostic Labs from Nijmegen and Maastricht, Radboudumc and MUMC+
Classification: Pathogenic. Review status: no assertion criteria provided. Collection method: clinical testing. Allele origin: germline. Affected: yes. Study: VKGL Data-share Consensus. Not counted in ClinVar's aggregate classification.

Literature cited by the submitters: PubMed 19206169 (cited by 4 submitters); PubMed 22495831 (cited by 3 submitters); PubMed 16804887 (cited by 5 submitters); PubMed 18039235 (cited by 3 submitters); PubMed 18413255 (cited by 4 submitters); PubMed 21063443 (cited by 3 submitters); PubMed 27391121 (cited by Pittsburgh Clinical Genomics Laboratory, University of Pittsburgh Medical Center); PubMed 27940666 (cited by Pittsburgh Clinical Genomics Laboratory, University of Pittsburgh Medical Center); PubMed 31217210 (cited by Pittsburgh Clinical Genomics Laboratory, University of Pittsburgh Medical Center); PubMed 29095811 (cited by Pittsburgh Clinical Genomics Laboratory, University of Pittsburgh Medical Center); PubMed 37510243 (cited by Pittsburgh Clinical Genomics Laboratory, University of Pittsburgh Medical Center); PubMed 35524774 (cited by Pittsburgh Clinical Genomics Laboratory, University of Pittsburgh Medical Center); PubMed 32369273 (cited by Pittsburgh Clinical Genomics Laboratory, University of Pittsburgh Medical Center); PubMed 37138575 (cited by Pittsburgh Clinical Genomics Laboratory, University of Pittsburgh Medical Center); PubMed 34573299 (cited by Pittsburgh Clinical Genomics Laboratory, University of Pittsburgh Medical Center); PubMed 31069529 (cited by Pittsburgh Clinical Genomics Laboratory, University of Pittsburgh Medical Center); PubMed 33040082 (cited by Pittsburgh Clinical Genomics Laboratory, University of Pittsburgh Medical Center); PubMed 20859831 (cited by Pittsburgh Clinical Genomics Laboratory, University of Pittsburgh Medical Center).

NM_004333.6(BRAF):c.1914T>G (p.Asp638Glu)

Gene: BRAF (B-Raf proto-oncogene, serine/threonine kinase; minus strand). Cytogenetic location: 7q34.
Variant type: single nucleotide variant.
Coding change: c.1914T>G on transcript NM_004333.6 (MANE Select); coding-DNA position 1914, T replaced by G.
Protein change: p.Asp638Glu; replaces aspartic acid 638 with glutamic acid.
Molecular consequence: missense variant.
Genome position (GRCh38, 1-based): chr7:140,749,365, A>C on the plus strand (T>G on the coding strand, the complement: BRAF is on the minus strand). VCF-style: chr7-140749365-A-C. GRCh37 (hg19) VCF-style: chr7-140449165-A-C.
Other names: p.D638E:GAT>GAG; c.1914T>G, p.Asp638Glu (NM_001354609.2, NM_001378468.1, NM_001378474.1); c.2034T>G, p.Asp678Glu (NM_001374244.1, NM_001374258.1); c.1923T>G, p.Asp641Glu (NM_001378467.1); c.1848T>G, p.Asp616Glu (NM_001378469.1); c.1812T>G, p.Asp604Glu (NM_001378470.1); c.1803T>G, p.Asp601Glu (NM_001378471.1); c.1758T>G, p.Asp586Glu (NM_001378472.1, NM_001378473.1); and 1 more; short protein forms D638E, D601E, D604E, D641E, D586E, D616E, D678E, D550E.
Identifiers: ClinVar variation 162797 (VCV000162797.67), dbSNP rs180177042, ClinGen allele CA280051.